The following is an entry in ClinVar:

ClinVar aggregate classification (germline): Benign/Likely benign. Review status: criteria provided, multiple submitters, no conflicts (2 of 4 stars). 14 submissions from 13 submitters: Benign (8); Likely benign (3). 3 of the submissions do not count toward it. Last evaluated 2026-02-04.

Conditions:
Retinitis pigmentosa (RP). Identifiers: Orphanet 791, MedGen C0035334, MeSH D012174, MONDO:0019200, OMIM 268000. Inheritance: Autosomal dominant, autosomal recessive and X linked inheritance.
Usher syndrome type 2A. Also called: USHER SYNDROME, TYPE IIA; RETINAL DISEASE IN USHER SYNDROME TYPE IIA, MODIFIER OF. Identifiers: Orphanet 231178, Orphanet 886, MedGen C1848634, MONDO:0010169, OMIM 276901.

Allele frequency attached by ClinVar (database versions not stated): gnomAD exomes 0.01706 and 0.01698; 1000 Genomes Project 0.00739; 1000 Genomes Project 30x 0.00812; TOPMed 0.01209; ESP Exome Variant Server 0.01292; gnomAD 0.01452 and 0.01476; ExAC 0.01581.
gnomAD v4.1: 27,280 of 1,613,916 alleles (1.7%); highest among the groups gnomAD compares: Middle Eastern, 2.8%; 311 homozygotes.

Submissions (14):

Labcorp Genetics (formerly Invitae), Labcorp
Classification: Benign. Last evaluated: 2026-02-04. Review status: criteria provided, single submitter. Criteria: Invitae Variant Classification Sherloc (09022015). Collection method: clinical testing. Allele origin: germline.

ARUP Laboratories, Molecular Genetics and Genomics, ARUP Laboratories
Classification: Benign. Last evaluated: 2023-10-14. Review status: criteria provided, single submitter. Criteria: ARUP Molecular Germline Variant Investigation Process 2024. Collection method: clinical testing. Allele origin: germline.

CeGaT Center for Human Genetics Tuebingen
Classification: Benign. Last evaluated: 2022-10-01. Review status: criteria provided, single submitter. Criteria: CeGaT Center For Human Genetics Tuebingen Variant Classification Criteria Version 2. Collection method: clinical testing. Allele origin: germline. Affected: yes. Observed: 2 variant alleles.
Comment: USH2A: BP4, BS1, BS2

Genome-Nilou Lab
Classification: Benign for Usher syndrome type 2A. Last evaluated: 2021-07-01. Review status: criteria provided, single submitter. Criteria: ACMG Guidelines, 2015. Collection method: clinical testing. Allele origin: germline. Affected: no.

Athena Diagnostics
Classification: Benign. Last evaluated: 2018-11-01. Review status: criteria provided, single submitter. Criteria: Athena Diagnostics Criteria. Collection method: clinical testing. Allele origin: germline.

Illumina Laboratory Services, Illumina
Classification: Likely benign for Retinitis pigmentosa. Last evaluated: 2017-04-27. Review status: criteria provided, single submitter. Criteria: ICSL Variant Classification Criteria 13 December 2019. Collection method: clinical testing. Allele origin: germline.
Comment: This variant was observed as part of a predisposition screen in an ostensibly healthy population. A literature search was performed for the gene, cDNA change, and amino acid change (where applicable). Publications were found based on this search. The evidence from the literature, in combination with allele frequency data from public databases where available, was sufficient to determine this variant is unlikely to cause disease. Therefore, this variant is classified as likely benign.

Illumina Laboratory Services, Illumina
Classification: Likely benign for Usher syndrome type 2A. Last evaluated: 2017-04-27. Review status: criteria provided, single submitter. Criteria: ICSL Variant Classification Criteria 13 December 2019. Collection method: clinical testing. Allele origin: germline.
Comment: the same text as in the submission from Illumina Laboratory Services, Illumina above.

GeneDx
Classification: Benign. Last evaluated: 2011-08-25. Review status: criteria provided, single submitter. Criteria: GeneDx Variant Classification (06012015). Collection method: clinical testing. Allele origin: germline. Affected: yes.
Comment: This variant is considered likely benign or benign based on one or more of the following criteria: it is a conservative change, it occurs at a poorly conserved position in the protein, it is predicted to be benign by multiple in silico algorithms, and/or has population frequency not consistent with disease.

Laboratory for Molecular Medicine, Mass General Brigham Personalized Medicine
Classification: Benign. Last evaluated: 2009-07-17. Review status: criteria provided, single submitter. Criteria: LMM Criteria. Collection method: clinical testing. Allele origin: germline. Observed: 72 variant alleles.

Breakthrough Genomics
Classification: Likely benign. Review status: criteria provided, single submitter. Criteria: ACMG Guidelines, 2015. Collection method: not provided. Allele origin: germline. Inheritance: Autosomal recessive inheritance. Affected: yes.

PreventionGenetics, part of Exact Sciences
Classification: Benign. Review status: criteria provided, single submitter. Criteria: ACMG Guidelines, 2015. Collection method: clinical testing. Allele origin: germline.

Natera, Inc.
Classification: Benign for Usher syndrome type 2A. Last evaluated: 2020-09-16. Review status: no assertion criteria provided. Collection method: clinical testing. Allele origin: germline. Not counted in ClinVar's aggregate classification.

Clinical Genetics DNA and cytogenetics Diagnostics Lab, Erasmus MC, Erasmus Medical Center
Classification: Likely benign. Review status: no assertion criteria provided. Collection method: clinical testing. Allele origin: germline. Affected: yes. Study: VKGL Data-share Consensus. Not counted in ClinVar's aggregate classification.

Joint Genome Diagnostic Labs from Nijmegen and Maastricht, Radboudumc and MUMC+
Classification: Benign. Review status: no assertion criteria provided. Collection method: clinical testing. Allele origin: germline. Affected: yes. Study: VKGL Data-share Consensus. Not counted in ClinVar's aggregate classification.

Literature cited by the submitters: PubMed 10738000 (cited by Athena Diagnostics and Laboratory for Molecular Medicine, Mass General Brigham Personalized Medicine); PubMed 10729113 (cited by Athena Diagnostics and Laboratory for Molecular Medicine, Mass General Brigham Personalized Medicine); PubMed 22004887 (cited by Illumina Laboratory Services, Illumina); PubMed 18273898 (cited by Laboratory for Molecular Medicine, Mass General Brigham Personalized Medicine); PubMed 17296898 (cited by Laboratory for Molecular Medicine, Mass General Brigham Personalized Medicine).

NM_206933.4(USH2A):c.2109T>C (p.Asp703=)

Gene: USH2A (usherin; minus strand). Cytogenetic location: 1q41.
Variant type: single nucleotide variant.
Coding change: c.2109T>C on transcript NM_206933.4 (MANE Select); coding-DNA position 2109, T replaced by C.
Protein change: p.Asp703=; no amino-acid change (aspartic acid 703 retained).
Molecular consequence: synonymous variant.
Genome position (GRCh38, 1-based): chr1:216,250,961, A>G on the plus strand (T>C on the coding strand, the complement: USH2A is on the minus strand). VCF-style: chr1-216250961-A-G. GRCh37 (hg19) VCF-style: chr1-216424303-A-G.
Other names: p.D703D:GAT>GAC; c.2109T>C, p.Asp703= (NM_007123.6).
Identifiers: ClinVar variation 48483 (VCV000048483.58), dbSNP rs45555435, ClinGen allele CA143435.